The following is an entry in ClinVar:

NM_006180.6(NTRK2):c.607G>A (p.Ala203Thr)

Gene: NTRK2 (neurotrophic receptor tyrosine kinase 2; plus strand). Cytogenetic location: 9q21.33.
Variant type: single nucleotide variant.
Coding change: c.607G>A on transcript NM_006180.6 (MANE Select); coding-DNA position 607, G replaced by A.
Protein change: p.Ala203Thr; replaces alanine 203 with threonine.
Molecular consequence: missense variant.
Genome position (GRCh38, 1-based): chr9:84,723,596, G>A. VCF-style: chr9-84723596-G-A. GRCh37 (hg19) VCF-style: chr9-87338511-G-A.
Other names: c.607G>A, p.Ala203Thr (NM_001007097.3, NM_001018064.3, NM_001018065.2 and 18 more transcripts); c.139G>A, p.Ala47Thr (NM_001369535.1, NM_001369536.1, NM_001369550.1 and 2 more transcripts); c.607G>A (NM_006180.4); short protein forms A203T, A47T.
Identifiers: ClinVar variation 1627668 (VCV001627668.41), dbSNP rs117250170, ClinGen allele CA5105545.

ClinVar aggregate classification (germline): Likely benign. Review status: criteria provided, multiple submitters, no conflicts (2 of 4 stars). 4 submissions from 4 submitters: Likely benign (3). 1 of the submissions does not count toward it. Last evaluated 2026-01-28.

Conditions:
NTRK2-related disorder. Also called: NTRK2-related condition.

Allele frequency attached by ClinVar (database versions not stated): 1000 Genomes Project 0.00020; 1000 Genomes Project 30x 0.00031; ESP Exome Variant Server 0.00054.
gnomAD v4.1: 1,213 of 1,613,998 alleles (0.075%); highest among the groups gnomAD compares: Non-Finnish European, 0.095%; no homozygotes.

Submissions (4):

Labcorp Genetics (formerly Invitae), Labcorp
Classification: Likely benign. Last evaluated: 2026-01-28. Review status: criteria provided, single submitter. Criteria: Invitae Variant Classification Sherloc (09022015). Collection method: clinical testing. Allele origin: germline.

CeGaT Center for Human Genetics Tuebingen
Classification: Likely benign. Last evaluated: 2025-12-01. Review status: criteria provided, single submitter. Criteria: CeGaT Center For Human Genetics Tuebingen Variant Classification Criteria Version 2. Collection method: clinical testing. Allele origin: germline. Affected: yes. Observed: 5 variant alleles.
Comment: NTRK2: BP4, BS1

Blueprint Genetics
Classification: Likely benign. Last evaluated: 2024-11-18. Review status: criteria provided, single submitter. Criteria: ACMG Guidelines, 2015. Collection method: clinical testing. Allele origin: germline.

PreventionGenetics, part of Exact Sciences
Classification: Likely benign for NTRK2-related condition. Last evaluated: 2024-01-04. Review status: no assertion criteria provided. Collection method: clinical testing. Allele origin: germline. Not counted in ClinVar's aggregate classification.
Comment: This variant is classified as likely benign based on ACMG/AMP sequence variant interpretation guidelines (Richards et al. 2015 PMID: 25741868, with internal and published modifications).